The following is an entry in ClinVar:

NM_000051.4(ATM):c.1044G>T (p.Leu348Phe)

Gene: ATM (ATM serine/threonine kinase; plus strand). Cytogenetic location: 11q22.3.
Variant type: single nucleotide variant.
Coding change: c.1044G>T on transcript NM_000051.4 (MANE Select); coding-DNA position 1044, G replaced by T.
Protein change: p.Leu348Phe; replaces leucine 348 with phenylalanine.
Molecular consequence: missense variant.
Genome position (GRCh38, 1-based): chr11:108,247,106, G>T. VCF-style: chr11-108247106-G-T. GRCh37 (hg19) VCF-style: chr11-108117833-G-T.
Other names: c.1044G>T, p.Leu348Phe (NM_001351834.2); short protein forms L348F.
Identifiers: ClinVar variation 245999 (VCV000245999.14), dbSNP rs879254039, ClinGen allele CA10584317.
Genomic context (GRCh38, chr11:108,247,106, plus strand): 5'-TAGAGGAAAGTATTCTTCAGGATTTCGTAATATTGCCGTCAAAGAAAATTTGATTGAATT[G>T]ATGGCAGATATCTGTCACCAGGTACAGTAAGTAGGTCATGTCACATTTAGAAATTTCCTG-3'
Protein context (NP_000042.3, residues 338-358): NIAVKENLIE[Leu348Phe]MADICHQVFN

ClinVar aggregate classification (germline): Uncertain significance. Review status: criteria provided, multiple submitters, no conflicts (2 of 4 stars). 3 submissions from 3 submitters: Uncertain significance (3). Last evaluated 2025-04-27.

Conditions:
Hereditary cancer-predisposing syndrome. Also called: Neoplastic Syndromes, Hereditary; Tumor predisposition; Hereditary neoplastic syndrome; Hereditary Cancer Syndrome. Identifiers: Orphanet 140162, MedGen C0027672, MeSH D009386, MONDO:0015356.
Ataxia-telangiectasia syndrome (AT). Also called: Cerebello-oculocutaneous telangiectasia; Immunodeficiency with ataxia telangiectasia; Ataxia-telangiectasia; Ataxia telangiectasia (A-T); LOUIS-BAR SYNDROME; Ataxia-telangiectasia, complementation group D. Identifiers: Orphanet 100, MedGen C0004135, MONDO:0008840, OMIM 208900.

Submissions (3):

Labcorp Genetics (formerly Invitae), Labcorp
Classification: Uncertain significance for Ataxia-telangiectasia syndrome. Last evaluated: 2025-04-27. Review status: criteria provided, single submitter. Criteria: Invitae Variant Classification Sherloc (09022015). Collection method: clinical testing. Allele origin: germline.
Comment: This sequence change replaces leucine, which is neutral and non-polar, with phenylalanine, which is neutral and non-polar, at codon 348 of the ATM protein (p.Leu348Phe). This variant is not present in population databases (gnomAD no frequency). This variant has not been reported in the literature in individuals affected with ATM-related conditions. ClinVar contains an entry for this variant (Variation ID: 245999). Invitae Evidence Modeling of protein sequence and biophysical properties (such as structural, functional, and spatial information, amino acid conservation, physicochemical variation, residue mobility, and thermodynamic stability) indicates that this missense variant is not expected to disrupt ATM protein function with a negative predictive value of 95%. In summary, the available evidence is currently insufficient to determine the role of this variant in disease. Therefore, it has been classified as a Variant of Uncertain Significance.

Ambry Genetics
Classification: Uncertain significance for Hereditary cancer-predisposing syndrome. Last evaluated: 2023-02-13. Review status: criteria provided, single submitter. Criteria: Ambry Variant Classification Scheme 2023. Collection method: clinical testing. Allele origin: germline.
Comment: The p.L348F variant (also known as c.1044G>T), located in coding exon 7 of the ATM gene, results from a G to T substitution at nucleotide position 1044. The leucine at codon 348 is replaced by phenylalanine, an amino acid with highly similar properties. This amino acid position is highly conserved in available vertebrate species. In addition, the in silico prediction for this alteration is inconclusive. Since supporting evidence is limited at this time, the clinical significance of this alteration remains unclear.

GeneDx
Classification: Uncertain significance. Last evaluated: 2015-10-14. Review status: criteria provided, single submitter. Criteria: GeneDx Variant Classification (06012015). Collection method: clinical testing. Allele origin: germline. Affected: yes.
Comment: This variant is denoted ATM c.1044G>T at the cDNA level, p.Leu348Phe (L348F) at the protein level, and results in the change of a Leucine to a Phenylalanine (TTG>TTT). This variant has not, to our knowledge, been published in the literature as being pathogenic or benign. ATM Leu348Phe was not observed in approximately 6,500 individuals of European and African American ancestry in the NHLBI Exome Sequencing Project, indicating it is not a common benign variant in these populations. Since Leucine and Phenylalanine share similar properties, this is considered a conservative amino acid substitution. ATM Leu348Phe occurs at a position that is conserved across species and is not located in a known functional domain (Tavtigian 2009). In silico analyses predict that this variant is probably damaging to protein structure and function. Based on currently available evidence, it is unclear whether ATM Leu348Phe is pathogenic or benign.